The following is an entry in ClinVar:

NM_000051.4(ATM):c.2417T>G (p.Leu806Trp)

Gene: ATM (ATM serine/threonine kinase; plus strand). Cytogenetic location: 11q22.3.
Variant type: single nucleotide variant.
Coding change: c.2417T>G on transcript NM_000051.4 (MANE Select); coding-DNA position 2417, T replaced by G.
Protein change: p.Leu806Trp; replaces leucine 806 with tryptophan.
Molecular consequence: missense variant.
Genome position (GRCh38, 1-based): chr11:108,259,026, T>G. VCF-style: chr11-108259026-T-G. GRCh37 (hg19) VCF-style: chr11-108129753-T-G.
Other names: c.2417T>G, p.Leu806Trp (NM_001351834.2); short protein forms L806W.
Identifiers: ClinVar variation 567031 (VCV000567031.9), dbSNP rs1565399936, ClinGen allele CA382541216.
Genomic context (GRCh38, chr11:108,259,026, plus strand): 5'-TTTGTTTGTCTTAATTGCAGAAGAGTCCAAATAAGATTGCATCTGGCTTTTTCCTGCGAT[T>G]GTTAACATCAAAGCTAATGAATGACATTGCAGATATTTGTAAAAGTTTAGTAAGTATGCT-3'
Protein context (NP_000042.3, residues 796-816): NKIASGFFLR[Leu806Trp]LTSKLMNDIA

ClinVar aggregate classification (germline): Uncertain significance. Review status: criteria provided, multiple submitters, no conflicts (2 of 4 stars). 2 submissions from 2 submitters: Uncertain significance (2). Last evaluated 2023-09-25.

Conditions:
Ataxia-telangiectasia syndrome (AT). Also called: Ataxia telangiectasia (A-T); Ataxia-telangiectasia, complementation group D; AT, COMPLEMENTATION GROUP C; ATAXIA-TELANGIECTASIA, COMPLEMENTATION GROUP A; Ataxia-telangiectasia, complementation group E; ATAXIA-TELANGIECTASIA, FRESNO VARIANT. Identifiers: Orphanet 100, MedGen C0004135, MONDO:0008840, OMIM 208900.

Submissions (2):

3billion
Classification: Uncertain significance for Ataxia-telangiectasia syndrome. Last evaluated: 2023-09-25. Review status: criteria provided, single submitter. Criteria: ACMG Guidelines, 2015. Collection method: clinical testing. Allele origin: germline. Affected: yes.
Comment: The variant is not observed in the gnomAD v2.1.1 dataset. Predicted Consequence/Location: Missense variant Therefore, this variant is classified as VUS according to the recommendation of ACMG/AMP guideline.

Labcorp Genetics (formerly Invitae), Labcorp
Classification: Uncertain significance for Ataxia-telangiectasia syndrome. Last evaluated: 2018-05-15. Review status: criteria provided, single submitter. Criteria: Invitae Variant Classification Sherloc (09022015). Collection method: clinical testing. Allele origin: germline.
Comment: Algorithms developed to predict the effect of missense changes on protein structure and function are either unavailable or do not agree on the potential impact of this missense change (SIFT: "Deleterious"; PolyPhen-2: "Probably Damaging"; Align-GVGD: "Class C0"). In summary, the available evidence is currently insufficient to determine the role of this variant in disease. Therefore, it has been classified as a Variant of Uncertain Significance. This variant has not been reported in the literature in individuals with ATM-related disease. It has been observed in an individual affected with fallopian tube cancer (Invitae). This variant is not present in population databases (ExAC no frequency). This sequence change replaces leucine with tryptophan at codon 806 of the ATM protein (p.Leu806Trp). The leucine residue is moderately conserved and there is a small physicochemical difference between leucine and tryptophan.